The following is an entry in ClinVar:

NM_005055.5(RAPSN):c.115C>G (p.Leu39Val)

Gene: RAPSN (receptor associated protein of the synapse; minus strand). Cytogenetic location: 11p11.2.
Variant type: single nucleotide variant.
Coding change: c.115C>G on transcript NM_005055.5 (MANE Select); coding-DNA position 115, C replaced by G.
Protein change: p.Leu39Val; replaces leucine 39 with valine.
Molecular consequence: missense variant.
Genome position (GRCh38, 1-based): chr11:47,448,850, G>C on the plus strand (C>G on the coding strand, the complement: RAPSN is on the minus strand). VCF-style: chr11-47448850-G-C. GRCh37 (hg19) VCF-style: chr11-47470402-G-C.
Other names: c.115C>G, p.Leu39Val (NM_032645.5); short protein forms L39V.
Identifiers: ClinVar variation 2165934 (VCV002165934.1), dbSNP rs1469646172, ClinGen allele CA380336751.
Genomic context (GRCh38, chr11:47,448,850, plus strand): 5'-AGCGGCCCATCTCCGAGTGGGCTGTGACCAGGCAGCCCAGCACGCGGAAGCGCCCCATGA[G>C]GTCCGAGCTCTTCTCCAGCACCTTTGTCCACACCTGCAATGCCTTCTCTGTCTGGTTGGA-3'
Protein context (NP_005046.2, residues 29-49): WTKVLEKSSD[Leu39Val]MGRFRVLGCL

ClinVar aggregate classification (germline): Uncertain significance (1 of 4 stars; one submission).

Conditions:
Fetal akinesia deformation sequence 1 (FADS1). Also called: Pena-Shokeir syndrome type I; Fetal akinesia sequence. Identifiers: Orphanet 994, MedGen C1276035, MONDO:0100101, OMIM 208150, HP:0001989.
Congenital myasthenic syndrome 11. Also called: Myasthenic syndrome, congenital, 11, associated with acetylcholine receptor deficiency; MYASTHENIC SYNDROME, CONGENITAL, Ie. Identifiers: Orphanet 590, MedGen C4225367, MONDO:0014588, OMIM 616326.

Allele frequency attached by ClinVar (database versions not stated): TOPMed below 0.00001.
gnomAD v4.1: 1 of 1,614,130 alleles (0.000062%); no homozygotes.

Submission:

Labcorp Genetics (formerly Invitae), Labcorp
Classification: Uncertain significance for Congenital myasthenic syndrome 11; Fetal akinesia deformation sequence 1. Last evaluated: 2022-06-27. Review status: criteria provided, single submitter. Criteria: Invitae Variant Classification Sherloc (09022015). Collection method: clinical testing. Allele origin: germline.
Comment: This sequence change replaces leucine, which is neutral and non-polar, with valine, which is neutral and non-polar, at codon 39 of the RAPSN protein (p.Leu39Val). This variant is not present in population databases (gnomAD no frequency). This variant has not been reported in the literature in individuals affected with RAPSN-related conditions. Algorithms developed to predict the effect of missense changes on protein structure and function (SIFT, PolyPhen-2, Align-GVGD) all suggest that this variant is likely to be tolerated. In summary, the available evidence is currently insufficient to determine the role of this variant in disease. Therefore, it has been classified as a Variant of Uncertain Significance.